The following is an entry in ClinVar:

NM_001134407.3(GRIN2A):c.14G>T (p.Gly5Val)

Gene: GRIN2A (glutamate ionotropic receptor NMDA type subunit 2A; minus strand). Cytogenetic location: 16p13.2.
Variant type: single nucleotide variant.
Coding change: c.14G>T on transcript NM_001134407.3 (MANE Select); coding-DNA position 14, G replaced by T.
Protein change: p.Gly5Val; replaces glycine 5 with valine.
Molecular consequence: missense variant.
Genome position (GRCh38, 1-based): chr16:10,180,398, C>A on the plus strand (G>T on the coding strand, the complement: GRIN2A is on the minus strand). VCF-style: chr16-10180398-C-A. GRCh37 (hg19) VCF-style: chr16-10274255-C-A.
Other names: c.14G>T, p.Gly5Val (NM_000833.5, NM_001134408.2); short protein forms G5V.
Identifiers: ClinVar variation 2501957 (VCV002501957.1), dbSNP rs1160964676, ClinGen allele CA394715894.
Genomic context (GRCh38, chr16:10,180,398, plus strand): 5'-GCGCTCGGCGCCGGACCGCGCCAGACCAGAAGGGCCGGCAGCACCAGCAGGGTCCAATAG[C>A]CCACTCTGCCCATAGTCGCCACTGACGGTCCCTGCAAGGTGAAGAGTGAGAGGCAGGGCC-3'
Protein context (NP_001127879.1, residues 1-15): MGRV[Gly5Val]YWTLLVLPAL

ClinVar aggregate classification (germline): Uncertain significance (1 of 4 stars; one submission).

Allele frequency attached by ClinVar (database versions not stated): gnomAD exomes below 0.00001; TOPMed below 0.00001.
gnomAD v4.1: 1 of 1,606,296 alleles (0.000062%); highest among the groups gnomAD compares: African/African-American, 0.0013%; no homozygotes.

Submission:

GeneDx
Classification: Uncertain significance. Last evaluated: 2022-11-11. Review status: criteria provided, single submitter. Criteria: GeneDx Variant Classification Process June 2021. Collection method: clinical testing. Allele origin: germline. Affected: yes.
Comment: Not observed at significant frequency in large population cohorts (gnomAD); In silico analysis supports that this missense variant does not alter protein structure/function; Has not been previously published as pathogenic or benign to our knowledge